The following is an entry in ClinVar:

ClinVar aggregate classification (germline): Uncertain significance (1 of 4 stars; one submission).

Conditions:
RASopathy. Also called: Noonan spectrum disorder; rasopathies. Identifiers: Orphanet 536391, MedGen C5555857, MONDO:0021060.

gnomAD v4.1: 3 of 1,613,076 alleles (0.00019%); highest among the groups gnomAD compares: Admixed American, 0.0017%; no homozygotes.

Submission:

Labcorp Genetics (formerly Invitae), Labcorp
Classification: Uncertain significance for RASopathy. Last evaluated: 2025-03-29. Review status: criteria provided, single submitter. Criteria: Invitae Variant Classification Sherloc (09022015). Collection method: clinical testing. Allele origin: germline.
Comment: This sequence change replaces aspartic acid, which is acidic and polar, with asparagine, which is neutral and polar, at codon 723 of the CBL protein (p.Asp723Asn). This variant is not present in population databases (gnomAD no frequency). This variant has not been reported in the literature in individuals affected with CBL-related conditions. ClinVar contains an entry for this variant (Variation ID: 1983195). Invitae Evidence Modeling of protein sequence and biophysical properties (such as structural, functional, and spatial information, amino acid conservation, physicochemical variation, residue mobility, and thermodynamic stability) indicates that this missense variant is not expected to disrupt CBL protein function with a negative predictive value of 95%. In summary, the available evidence is currently insufficient to determine the role of this variant in disease. Therefore, it has been classified as a Variant of Uncertain Significance.

NM_005188.4(CBL):c.2167G>A (p.Asp723Asn)

Gene: CBL (Cbl proto-oncogene; plus strand). Cytogenetic location: 11q23.3.
Variant type: single nucleotide variant.
Coding change: c.2167G>A on transcript NM_005188.4 (MANE Select); coding-DNA position 2167, G replaced by A.
Protein change: p.Asp723Asn; replaces aspartic acid 723 with asparagine.
Molecular consequence: missense variant.
Genome position (GRCh38, 1-based): chr11:119,297,397, G>A. VCF-style: chr11-119297397-G-A. GRCh37 (hg19) VCF-style: chr11-119168107-G-A.
Other names: short protein forms D723N.
Identifiers: ClinVar variation 1983195 (VCV001983195.4), dbSNP rs935006432, ClinGen allele CA229650167.